The following is an entry in ClinVar:

NM_014727.3(KMT2B):c.7743-5T>G

Gene: KMT2B (lysine methyltransferase 2B; plus strand). Cytogenetic location: 19q13.12.
Variant type: single nucleotide variant.
Coding change: c.7743-5T>G on transcript NM_014727.3 (MANE Select); 5 bases into the intron before coding-DNA position 7743, T replaced by G.
Molecular consequence: intron variant.
Genome position (GRCh38, 1-based): chr19:35,738,057, T>G. VCF-style: chr19-35738057-T-G. GRCh37 (hg19) VCF-style: chr19-36228958-T-G.
Identifiers: ClinVar variation 2843602 (VCV002843602.3), dbSNP rs2513369685, ClinGen allele CA2584577352.
Genomic context (GRCh38, chr19:35,738,057, plus strand): 5'-GTAGGGGGTACTGTCTGGTTTCTGTCCCCCTCCCCCCTGAGTTCCCTGTTCATCCTGCCC[T>G]GCAGATCAGCCATCCACGGGCGAGGCCTGTTCTGTAAGCGCAACATCGACGCGGGGGAGA-3'

ClinVar aggregate classification (germline): Uncertain significance (1 of 4 stars; one submission).

Submission:

Labcorp Genetics (formerly Invitae), Labcorp
Classification: Uncertain significance. Last evaluated: 2023-03-22. Review status: criteria provided, single submitter. Criteria: Invitae Variant Classification Sherloc (09022015). Collection method: clinical testing. Allele origin: germline.
Comment: This variant is not present in population databases (gnomAD no frequency). This sequence change falls in intron 35 of the KMT2B gene. It does not directly change the encoded amino acid sequence of the KMT2B protein. This variant has not been reported in the literature in individuals affected with KMT2B-related conditions. Algorithms developed to predict the effect of sequence changes on RNA splicing suggest that this variant may create or strengthen a splice site. In summary, the available evidence is currently insufficient to determine the role of this variant in disease. Therefore, it has been classified as a Variant of Uncertain Significance.